The following is an entry in ClinVar:

NM_004646.4(NPHS1):c.1831C>T (p.Gln611Ter)

Gene: NPHS1 (NPHS1 adhesion molecule, nephrin; minus strand). Cytogenetic location: 19q13.12.
Variant type: single nucleotide variant.
Coding change: c.1831C>T on transcript NM_004646.4 (MANE Select); coding-DNA position 1831, C replaced by T.
Protein change: p.Gln611Ter; replaces glutamine 611 with a stop codon.
Molecular consequence: nonsense.
Genome position (GRCh38, 1-based): chr19:35,845,467, G>A on the plus strand (C>T on the coding strand, the complement: NPHS1 is on the minus strand). VCF-style: chr19-35845467-G-A. GRCh37 (hg19) VCF-style: chr19-36336369-G-A.
Other names: short protein forms Q611*.
Identifiers: ClinVar variation 2011354 (VCV002011354.5), dbSNP rs2513773327, ClinGen allele CA405399346.

ClinVar aggregate classification (germline): Pathogenic/Likely pathogenic. Review status: criteria provided, multiple submitters, no conflicts (2 of 4 stars). 2 submissions from 2 submitters: Pathogenic (1); Likely pathogenic (1). Last evaluated 2024-05-16.

Conditions:
Finnish congenital nephrotic syndrome (NPHS1). Also called: NEPHROTIC SYNDROME, TYPE 1. Identifiers: Orphanet 839, MedGen C0403399, MONDO:0009732, OMIM 256300.

Allele frequency attached by ClinVar (database versions not stated): gnomAD exomes below 0.00001.
gnomAD v4.1: 1 of 1,614,136 alleles (0.000062%); highest among the groups gnomAD compares: Non-Finnish European, 0.000085%; no homozygotes.

Submissions (2):

Natera, Inc.
Classification: Likely pathogenic for Finnish congenital nephrotic syndrome. Last evaluated: 2024-05-16. Review status: criteria provided, single submitter. Criteria: Natera Variant Classification Schema (03/2026). Collection method: clinical testing. Allele origin: germline.
Comment: The c.1831C>T variant in NPHS1 is a nonsense variant predicted to introduce a stop codon at amino acid 611. This variant is expected to result in nonsense mediated decay, truncation, or a dysfunctional protein product. This variant is rare in the general population with a frequency below the threshold expected for the associated phenotype(s). Given the available evidence, this variant is classified as Likely Pathogenic.

Labcorp Genetics (formerly Invitae), Labcorp
Classification: Pathogenic. Last evaluated: 2022-07-04. Review status: criteria provided, single submitter. Criteria: Invitae Variant Classification Sherloc (09022015). Collection method: clinical testing. Allele origin: germline.
Comment: This sequence change creates a premature translational stop signal (p.Gln611*) in the NPHS1 gene. It is expected to result in an absent or disrupted protein product. Loss-of-function variants in NPHS1 are known to be pathogenic (PMID: 11317351, 11854170, 12039988). This variant is not present in population databases (gnomAD no frequency). This variant has not been reported in the literature in individuals affected with NPHS1-related conditions. For these reasons, this variant has been classified as Pathogenic.

Literature cited by the submitters: PubMed 11317351 (cited by Labcorp Genetics (formerly Invitae), Labcorp); PubMed 11854170 (cited by Labcorp Genetics (formerly Invitae), Labcorp); PubMed 12039988 (cited by Labcorp Genetics (formerly Invitae), Labcorp).